The following is an entry in ClinVar:

NM_001256864.2(DNAJC6):c.2255C>T (p.Thr752Ile)

Gene: DNAJC6 (DnaJ heat shock protein family (Hsp40) member C6; plus strand). Cytogenetic location: 1p31.3.
Variant type: single nucleotide variant.
Coding change: c.2255C>T on transcript NM_001256864.2 (MANE Select); coding-DNA position 2255, C replaced by T.
Protein change: p.Thr752Ile; replaces threonine 752 with isoleucine.
Molecular consequence: missense variant.
Genome position (GRCh38, 1-based): chr1:65,405,897, C>T. VCF-style: chr1-65405897-C-T. GRCh37 (hg19) VCF-style: chr1-65871580-C-T.
Other names: c.2045C>T, p.Thr682Ile (NM_001256865.2); c.2084C>T, p.Thr695Ile (NM_014787.4); short protein forms T682I, T752I, T695I.
Identifiers: ClinVar variation 1478736 (VCV001478736.6), dbSNP rs2101635055, ClinGen allele CA340715763.

ClinVar aggregate classification (germline): Uncertain significance (1 of 4 stars; one submission).

Conditions:
Juvenile onset Parkinson disease 19A. Also called: PARK19; DNAJC6 Parkinson Disease. Identifiers: Orphanet 391411, MedGen C3809811, MONDO:0014231, OMIM 615528.

Submission:

Labcorp Genetics (formerly Invitae), Labcorp
Classification: Uncertain significance for Juvenile onset Parkinson disease 19A. Last evaluated: 2021-07-28. Review status: criteria provided, single submitter. Criteria: Invitae Variant Classification Sherloc (09022015). Collection method: clinical testing. Allele origin: germline.
Comment: In summary, the available evidence is currently insufficient to determine the role of this variant in disease. Therefore, it has been classified as a Variant of Uncertain Significance. Algorithms developed to predict the effect of missense changes on protein structure and function are either unavailable or do not agree on the potential impact of this missense change (SIFT: "Tolerated"; PolyPhen-2: "Possibly Damaging"; Align-GVGD: "Class C0"). This variant has not been reported in the literature in individuals affected with DNAJC6-related conditions. This variant is not present in population databases (ExAC no frequency). This sequence change replaces threonine with isoleucine at codon 752 of the DNAJC6 protein (p.Thr752Ile). The threonine residue is moderately conserved and there is a moderate physicochemical difference between threonine and isoleucine.